The following is an entry in ClinVar:

ClinVar aggregate classification (germline): Uncertain significance. Review status: criteria provided, multiple submitters, no conflicts (2 of 4 stars). 2 submissions from 2 submitters: Uncertain significance (2). Last evaluated 2023-05-15.

Conditions:
Inborn genetic diseases. Identifiers: MedGen C0950123, MeSH D030342.

Allele frequency attached by ClinVar (database versions not stated): gnomAD 0.00001 and 0.00002; gnomAD exomes 0.00007; ESP Exome Variant Server 0.00008; ExAC 0.00014.
gnomAD v4.1: 99 of 1,613,616 alleles (0.0061%); highest among the groups gnomAD compares: Non-Finnish European, 0.0081%; no homozygotes.

Submissions (2):

Ambry Genetics
Classification: Uncertain significance for Inborn genetic diseases. Last evaluated: 2023-05-15. Review status: criteria provided, single submitter. Criteria: Ambry Variant Classification Scheme 2023. Collection method: clinical testing. Allele origin: germline.

Labcorp Genetics (formerly Invitae), Labcorp
Classification: Uncertain significance. Last evaluated: 2022-04-13. Review status: criteria provided, single submitter. Criteria: Invitae Variant Classification Sherloc (09022015). Collection method: clinical testing. Allele origin: germline.
Comment: This sequence change replaces arginine, which is basic and polar, with glutamine, which is neutral and polar, at codon 268 of the PLAA protein (p.Arg268Gln). This variant is present in population databases (rs372314055, gnomAD 0.02%). This variant has not been reported in the literature in individuals affected with PLAA-related conditions. Algorithms developed to predict the effect of missense changes on protein structure and function (SIFT, PolyPhen-2, Align-GVGD) all suggest that this variant is likely to be tolerated. In summary, the available evidence is currently insufficient to determine the role of this variant in disease. Therefore, it has been classified as a Variant of Uncertain Significance.

NM_001031689.3(PLAA):c.803G>A (p.Arg268Gln)

Gene: PLAA (phospholipase A2 activating protein; minus strand). Cytogenetic location: 9p21.2.
Variant type: single nucleotide variant.
Coding change: c.803G>A on transcript NM_001031689.3 (MANE Select); coding-DNA position 803, G replaced by A.
Protein change: p.Arg268Gln; replaces arginine 268 with glutamine.
Molecular consequence: missense variant.
Genome position (GRCh38, 1-based): chr9:26,925,891, C>T on the plus strand (G>A on the coding strand, the complement: PLAA is on the minus strand). VCF-style: chr9-26925891-C-T. GRCh37 (hg19) VCF-style: chr9-26925889-C-T.
Other names: c.803G>A, p.Arg268Gln (NM_001321546.2); c.803G>A (NM_001031689.2); short protein forms R268Q.
Identifiers: ClinVar variation 1403156 (VCV001403156.9), dbSNP rs372314055, ClinGen allele CA5014545.